The following is an entry in ClinVar:

NM_000038.6(APC):c.7987G>T (p.Asp2663Tyr)

Gene: APC (APC regulator of Wnt signaling pathway; plus strand). Cytogenetic location: 5q22.2.
Variant type: single nucleotide variant.
Coding change: c.7987G>T on transcript NM_000038.6 (MANE Select); coding-DNA position 7987, G replaced by T.
Protein change: p.Asp2663Tyr; replaces aspartic acid 2663 with tyrosine.
Molecular consequence: missense variant.
Genome position (GRCh38, 1-based): chr5:112,843,581, G>T. VCF-style: chr5-112843581-G-T. GRCh37 (hg19) VCF-style: chr5-112179278-G-T.
Other names: c.7987G>T (NM_000038.5); c.7987G>T, p.Asp2663Tyr (NM_001127510.3, NM_001354895.2); c.7933G>T, p.Asp2645Tyr (NM_001127511.3); c.8041G>T, p.Asp2681Tyr (NM_001354896.2); c.8017G>T, p.Asp2673Tyr (NM_001354897.2); c.7912G>T, p.Asp2638Tyr (NM_001354898.2); c.7903G>T, p.Asp2635Tyr (NM_001354899.2); c.7864G>T, p.Asp2622Tyr (NM_001354900.2); and 6 more; short protein forms D2604Y, D2622Y, D2380Y, D2562Y, D2503Y, D2635Y, D2673Y, D2537Y.
Identifiers: ClinVar variation 1376108 (VCV001376108.9), dbSNP rs1486622959, ClinGen allele CA16038679.

ClinVar aggregate classification (germline): Uncertain significance. Review status: criteria provided, multiple submitters, no conflicts (2 of 4 stars). 2 submissions from 2 submitters: Uncertain significance (2). Last evaluated 2025-01-27.

Conditions:
Hereditary cancer-predisposing syndrome. Also called: Neoplastic Syndromes, Hereditary; Hereditary Cancer Syndrome; Tumor predisposition; Hereditary neoplastic syndrome. Identifiers: Orphanet 140162, MedGen C0027672, MeSH D009386, MONDO:0015356.
Familial adenomatous polyposis 1 (FAP1). Also called: FAMILIAL ADENOMATOUS POLYPOSIS 1, ATTENUATED; POLYPOSIS, ADENOMATOUS INTESTINAL. Identifiers: MedGen C2713442, MONDO:0021056, OMIM 175100. Disease mechanism: loss of function.

Submissions (2):

Ambry Genetics
Classification: Uncertain significance for Hereditary cancer-predisposing syndrome. Last evaluated: 2025-01-27. Review status: criteria provided, single submitter. Criteria: Ambry Variant Classification Scheme 2023. Collection method: clinical testing. Allele origin: germline.
Comment: The p.D2663Y variant (also known as c.7987G>T), located in coding exon 15 of the APC gene, results from a G to T substitution at nucleotide position 7987. The aspartic acid at codon 2663 is replaced by tyrosine, an amino acid with highly dissimilar properties. This amino acid position is conserved. In addition, in silico predictors for this gene do not accurately predict pathogenicity. Based on the available evidence, the clinical significance of this variant remains unclear.

Labcorp Genetics (formerly Invitae), Labcorp
Classification: Uncertain significance for Familial adenomatous polyposis 1. Last evaluated: 2022-08-14. Review status: criteria provided, single submitter. Criteria: Invitae Variant Classification Sherloc (09022015). Collection method: clinical testing. Allele origin: germline.
Comment: Algorithms developed to predict the effect of missense changes on protein structure and function (SIFT, PolyPhen-2, Align-GVGD) all suggest that this variant is likely to be disruptive. In summary, the available evidence is currently insufficient to determine the role of this variant in disease. Therefore, it has been classified as a Variant of Uncertain Significance. ClinVar contains an entry for this variant (Variation ID: 1376108). This variant has not been reported in the literature in individuals affected with APC-related conditions. This variant is not present in population databases (gnomAD no frequency). This sequence change replaces aspartic acid, which is acidic and polar, with tyrosine, which is neutral and polar, at codon 2663 of the APC protein (p.Asp2663Tyr).